The following is an entry in ClinVar:

ClinVar aggregate classification (germline): Pathogenic/Likely pathogenic. Review status: criteria provided, multiple submitters, no conflicts (2 of 4 stars). 2 submissions from 2 submitters: Pathogenic (1); Likely pathogenic (1). Last evaluated 2026-09-08.

Conditions:
Fabry disease. Also called: ALPHA-GALACTOSIDASE A DEFICIENCY; CERAMIDE TRIHEXOSIDASE DEFICIENCY; GLA DEFICIENCY; HEREDITARY DYSTOPIC LIPIDOSIS; Angiokeratoma corporis diffusum; Fabry's disease. Identifiers: Orphanet 324, MedGen C0002986, MONDO:0010526, OMIM 301500, HP:0001071. Disease mechanism: loss of function, Fabry disease is due to inactivating mutations in the X-linked GLA gene resulting in deficiency of the enzyme Alpha Galactosidase-A..

Submissions (2):

Genomenon, Inc
Classification: Pathogenic for Fabry disease. Last evaluated: 2026-09-08. Review status: criteria provided, single submitter. Criteria: Genomenon Sequence Variant Interpretation Standards - Updated. Collection method: curation. Allele origin: germline. Affected: yes.
Comment: GLA p.Asn278LysfsTer21 (c.833dup) is a frameshift variant that is predicted to introduce a premature termination codon and result in a truncated or absent protein product. This variant has been observed in at least one proband with clinical features consistent with Fabry disease (PMID:10916280). It is absent or not present at a significant frequency in gnomAD. In conclusion, we classify GLA p.Asn278LysfsTer21 (c.833dup) as a pathogenic variant.

Women's Health and Genetics/Laboratory Corporation of America, LabCorp
Classification: Likely pathogenic for Fabry disease. Last evaluated: 2020-10-16. Review status: criteria provided, single submitter. Criteria: LabCorp Variant Classification Summary - May 2015. Collection method: clinical testing. Allele origin: germline.
Comment: Variant summary: GLA c.833dupA (p.Asn278LysfsX21) results in a premature termination codon, predicted to cause a truncation of the encoded protein or absence of the protein due to nonsense mediated decay, which are commonly known mechanisms for disease. Truncations downstream of this position have been classified as pathogenic by our laboratory. The variant was absent in 183402 control chromosomes. c.833dupA has been reported in the literature in an individual affected with Fabry Disease (Ashton-Prolla_2000). To our knowledge, no experimental evidence demonstrating an impact on protein function has been reported. No clinical diagnostic laboratories have submitted clinical-significance assessments for this variant to ClinVar after 2014. Based on the evidence outlined above, the variant was classified as likely pathogenic.

Literature cited by the submitters: PubMed 10916280 (cited by Genomenon, Inc and Women's Health and Genetics/Laboratory Corporation of America, LabCorp).

NM_000169.3(GLA):c.833dup (p.Asn278fs)

Genes: GLA (galactosidase alpha; minus strand), RPL36A-HNRNPH2 (RPL36A-HNRNPH2 readthrough; plus strand). Cytogenetic location: Xq22.1.
Variant type: Duplication.
Coding change: c.833dup on transcript NM_000169.3 (MANE Select); coding-DNA position 833, one base duplicated (A; older notation c.833dupA).
Protein change: p.Asn278fs; shifts the reading frame from asparagine 278.
Molecular consequence: frameshift variant. On other transcripts: non-coding transcript variant (3), intron variant (2).
Genome position (GRCh38, 1-based): chrX:101,398,536, T duplicated on the plus strand (A on the coding strand, the reverse complement: GLA is on the minus strand); the first of 2 consecutive T bases (chrX:101,398,536-101,398,537); duplicating either gives the same sequence. VCF-style (leftmost placement, unchanged base first): chrX-101398535-A-AT. GRCh37 (hg19) VCF-style: chrX-100653523-A-AT.
Other names: c.833dupA (NM_000169.2); c.956dup, p.Asn319fs (NM_001406747.1); c.833dup, p.Asn278fs (NM_001406748.1); c.300+3080dup (NM_001199973.2); c.177+6715dup (NM_001199974.2); short protein forms N278fs, N319fs.
Identifiers: ClinVar variation 984485 (VCV000984485.3), dbSNP rs1928172876, ClinGen allele CA1139667719.